The following is an entry in ClinVar:

NM_000632.4(ITGAM):c.988G>A (p.Glu330Lys)

Gene: ITGAM (integrin subunit alpha M; plus strand). Cytogenetic location: 16p11.2.
Variant type: single nucleotide variant.
Coding change: c.988G>A on transcript NM_000632.4 (MANE Select); coding-DNA position 988, G replaced by A.
Protein change: p.Glu330Lys; replaces glutamic acid 330 with lysine.
Molecular consequence: missense variant.
Genome position (GRCh38, 1-based): chr16:31,275,678, G>A. VCF-style: chr16-31275678-G-A. GRCh37 (hg19) VCF-style: chr16-31286999-G-A.
Other names: c.988G>A, p.Glu330Lys (NM_001145808.2); short protein forms E330K.
Identifiers: ClinVar variation 3005524 (VCV003005524.3), dbSNP rs1399091475, ClinGen allele CA395698080.

ClinVar aggregate classification (germline): Uncertain significance (1 of 4 stars; one submission).

Allele frequency attached by ClinVar (database versions not stated): gnomAD exomes below 0.00001; TOPMed 0.00001.
gnomAD v4.1: 2 of 1,613,930 alleles (0.00012%); highest among the groups gnomAD compares: Non-Finnish European, 0.00017%; no homozygotes.

Submission:

Labcorp Genetics (formerly Invitae), Labcorp
Classification: Uncertain significance. Last evaluated: 2023-06-03. Review status: criteria provided, single submitter. Criteria: Invitae Variant Classification Sherloc (09022015). Collection method: clinical testing. Allele origin: germline.
Comment: This sequence change replaces glutamic acid, which is acidic and polar, with lysine, which is basic and polar, at codon 330 of the ITGAM protein (p.Glu330Lys). In summary, the available evidence is currently insufficient to determine the role of this variant in disease. Therefore, it has been classified as a Variant of Uncertain Significance. An algorithm developed to predict the effect of missense changes on protein structure and function (PolyPhen-2) suggests that this variant is likely to be disruptive. This variant has not been reported in the literature in individuals affected with ITGAM-related conditions. This variant is not present in population databases (gnomAD no frequency).